The following is an entry in ClinVar:

NM_003190.5(TAPBP):c.1014C>T (p.Gly338=)

Gene: TAPBP (TAP binding protein; minus strand). Cytogenetic location: 6p21.32.
Variant type: single nucleotide variant.
Coding change: c.1014C>T on transcript NM_003190.5 (MANE Select); coding-DNA position 1014, C replaced by T.
Protein change: p.Gly338=; no amino-acid change (glycine 338 retained).
Molecular consequence: synonymous variant.
Genome position (GRCh38, 1-based): chr6:33,304,493, G>A on the plus strand (C>T on the coding strand, the complement: TAPBP is on the minus strand). VCF-style: chr6-33304493-G-A. GRCh37 (hg19) VCF-style: chr6-33272270-G-A.
Other names: c.753C>T, p.Gly251= (NM_172209.3); c.1014C>T, p.Gly338= (NM_172208.3).
Identifiers: ClinVar variation 1077575 (VCV001077575.35), dbSNP rs749398191, ClinGen allele CA3755742.
Genomic context (GRCh38, chr6:33,304,493, plus strand): 5'-GCCATCGGAATGGTGGCGCAGGGCCGAGAGCCACCTCTGCCCCTCGGCCTTCTGAGAGCG[G>A]CCCCCTGGGCCACCCCGGAGTTCCCACTCCACCTCCAGGCCCCCAGAAGGGTAGAAGTGG-3'
Protein context (NP_003181.3, residues 328-348): VEWELRGGPG[Gly338=]RSQKAEGQRW

ClinVar aggregate classification (germline): Likely benign. Review status: criteria provided, multiple submitters, no conflicts (2 of 4 stars). 5 submissions from 5 submitters: Likely benign (3). 2 of the submissions do not count toward it. Last evaluated 2025-10-21.

Conditions:
MHC class I deficiency. Identifiers: Orphanet 34592, MedGen C6024714, MONDO:0011476.

Allele frequency attached by ClinVar (database versions not stated): gnomAD 0.00001; gnomAD exomes 0.00005 and 0.00009; ExAC 0.00010.
gnomAD v4.1: 80 of 1,612,924 alleles (0.005%); highest among the groups gnomAD compares: Middle Eastern, 0.016%; no homozygotes.

Submissions (5):

Labcorp Genetics (formerly Invitae), Labcorp
Classification: Likely benign for MHC class I deficiency 1. Last evaluated: 2025-10-21. Review status: criteria provided, single submitter. Criteria: Invitae Variant Classification Sherloc (09022015). Collection method: clinical testing. Allele origin: germline.

Blueprint Genetics
Classification: Likely benign. Last evaluated: 2024-08-12. Review status: criteria provided, single submitter. Criteria: ACMG Guidelines, 2015. Collection method: clinical testing. Allele origin: germline.

CeGaT Center for Human Genetics Tuebingen
Classification: Likely benign. Last evaluated: 2022-05-01. Review status: criteria provided, single submitter. Criteria: CeGaT Center For Human Genetics Tuebingen Variant Classification Criteria Version 2. Collection method: clinical testing. Allele origin: germline. Affected: yes. Observed: 1 variant allele.
Comment: TAPBP: BP4, BP7

Clinical Genetics DNA and cytogenetics Diagnostics Lab, Erasmus MC, Erasmus Medical Center
Classification: Likely benign. Review status: no assertion criteria provided. Collection method: clinical testing. Allele origin: germline. Affected: yes. Study: VKGL Data-share Consensus. Not counted in ClinVar's aggregate classification.

Genome Diagnostics Laboratory, University Medical Center Utrecht
Classification: Likely benign. Review status: no assertion criteria provided. Collection method: clinical testing. Allele origin: germline. Affected: yes. Study: VKGL Data-share Consensus. Not counted in ClinVar's aggregate classification.